The following is an entry in ClinVar:

NM_001033855.3(DCLRE1C):c.1073T>C (p.Leu358Ser)

Gene: DCLRE1C (DNA cross-link repair 1C; minus strand). Cytogenetic location: 10p13.
Variant type: single nucleotide variant.
Coding change: c.1073T>C on transcript NM_001033855.3 (MANE Select); coding-DNA position 1073, T replaced by C.
Protein change: p.Leu358Ser; replaces leucine 358 with serine.
Molecular consequence: missense variant. On other transcripts: non-coding transcript variant (4).
Genome position (GRCh38, 1-based): chr10:14,919,821, A>G on the plus strand (T>C on the coding strand, the complement: DCLRE1C is on the minus strand). VCF-style: chr10-14919821-A-G. GRCh37 (hg19) VCF-style: chr10-14961820-A-G.
Other names: c.1073T>C, p.Leu358Ser (NM_001350965.2); c.728T>C, p.Leu243Ser (NM_001350966.2, NM_022487.4, NM_001289076.2 and 1 more transcripts); c.713T>C, p.Leu238Ser (NM_001350967.2, NM_001033857.3, NM_001033858.3 and 2 more transcripts); short protein forms L358S, L238S, L243S.
Identifiers: ClinVar variation 1417006 (VCV001417006.5), dbSNP rs2130743286, ClinGen allele CA376078359.

ClinVar aggregate classification (germline): Uncertain significance (1 of 4 stars; one submission).

Conditions:
Severe combined immunodeficiency due to DCLRE1C deficiency (RS-SCID). Also called: SCID, AUTOSOMAL RECESSIVE, T CELL-NEGATIVE, B CELL-NEGATIVE, NK CELL-POSITIVE, WITH SENSITIVITY TO IONIZING RADIATION. Identifiers: Orphanet 275, MedGen C1865371, MONDO:0011225, OMIM 602450.

Submission:

Labcorp Genetics (formerly Invitae), Labcorp
Classification: Uncertain significance for Athabaskan severe combined immunodeficiency. Last evaluated: 2021-08-20. Review status: criteria provided, single submitter. Criteria: Invitae Variant Classification Sherloc (09022015). Collection method: clinical testing. Allele origin: germline.
Comment: This sequence change replaces leucine with serine at codon 358 of the DCLRE1C protein (p.Leu358Ser). The leucine residue is moderately conserved and there is a large physicochemical difference between leucine and serine. This variant is not present in population databases (ExAC no frequency). This variant has not been reported in the literature in individuals affected with DCLRE1C-related conditions. Algorithms developed to predict the effect of missense changes on protein structure and function are either unavailable or do not agree on the potential impact of this missense change (SIFT: "Deleterious"; PolyPhen-2: "Benign"; Align-GVGD: "Class C0"). In summary, the available evidence is currently insufficient to determine the role of this variant in disease. Therefore, it has been classified as a Variant of Uncertain Significance.